The following is an entry in ClinVar:

NM_000878.5(IL2RB):c.910C>T (p.Leu304Phe)

Gene: IL2RB (interleukin 2 receptor subunit beta; minus strand). Cytogenetic location: 22q12.3.
Variant type: single nucleotide variant.
Coding change: c.910C>T on transcript NM_000878.5 (MANE Select); coding-DNA position 910, C replaced by T.
Protein change: p.Leu304Phe; replaces leucine 304 with phenylalanine.
Molecular consequence: missense variant.
Genome position (GRCh38, 1-based): chr22:37,128,842, G>A on the plus strand (C>T on the coding strand, the complement: IL2RB is on the minus strand). VCF-style: chr22-37128842-G-A. GRCh37 (hg19) VCF-style: chr22-37524882-G-A.
Other names: c.910C>T, p.Leu304Phe (NM_001346222.1, NM_001346223.2); short protein forms L304F.
Identifiers: ClinVar variation 2961275 (VCV002961275.3), dbSNP rs1176697075, ClinGen allele CA411425955.

ClinVar aggregate classification (germline): Uncertain significance (1 of 4 stars; one submission).

Allele frequency attached by ClinVar (database versions not stated): gnomAD exomes below 0.00001; TOPMed 0.00001.

Submission:

Labcorp Genetics (formerly Invitae), Labcorp
Classification: Uncertain significance. Last evaluated: 2023-05-22. Review status: criteria provided, single submitter. Criteria: Invitae Variant Classification Sherloc (09022015). Collection method: clinical testing. Allele origin: germline.
Comment: This variant has not been reported in the literature in individuals affected with IL2RB-related conditions. In summary, the available evidence is currently insufficient to determine the role of this variant in disease. Therefore, it has been classified as a Variant of Uncertain Significance. An algorithm developed to predict the effect of missense changes on protein structure and function (PolyPhen-2) suggests that this variant is likely to be disruptive. This variant is present in population databases (no rsID available, gnomAD 0.003%). This sequence change replaces leucine, which is neutral and non-polar, with phenylalanine, which is neutral and non-polar, at codon 304 of the IL2RB protein (p.Leu304Phe).